The following is an entry in ClinVar:

ClinVar aggregate classification (germline): Uncertain significance. Review status: criteria provided, multiple submitters, no conflicts (2 of 4 stars). 2 submissions from 2 submitters: Uncertain significance (2). Last evaluated 2025-07-15.

Conditions:
Inborn genetic diseases. Identifiers: MedGen C0950123, MeSH D030342.

Allele frequency attached by ClinVar (database versions not stated): ExAC 0.00001; gnomAD 0.00001; TOPMed 0.00002; ESP Exome Variant Server 0.00016.
gnomAD v4.1: 21 of 1,613,002 alleles (0.0013%); highest among the groups gnomAD compares: Middle Eastern, 0.016%; no homozygotes.

Submissions (2):

Ambry Genetics
Classification: Uncertain significance for Inborn genetic diseases. Last evaluated: 2025-07-15. Review status: criteria provided, single submitter. Criteria: Ambry Variant Classification Scheme 2023. Collection method: clinical testing. Allele origin: germline.

Labcorp Genetics (formerly Invitae), Labcorp
Classification: Uncertain significance. Last evaluated: 2022-03-14. Review status: criteria provided, single submitter. Criteria: Invitae Variant Classification Sherloc (09022015). Collection method: clinical testing. Allele origin: germline.
Comment: This sequence change replaces tryptophan, which is neutral and slightly polar, with serine, which is neutral and polar, at codon 318 of the MYO18B protein (p.Trp318Ser). This variant is present in population databases (rs369889484, gnomAD 0.002%). This variant has not been reported in the literature in individuals affected with MYO18B-related conditions. Algorithms developed to predict the effect of missense changes on protein structure and function are either unavailable or do not agree on the potential impact of this missense change (SIFT: "Not Available"; PolyPhen-2: "Benign"; Align-GVGD: "Not Available"). In summary, the available evidence is currently insufficient to determine the role of this variant in disease. Therefore, it has been classified as a Variant of Uncertain Significance.

NM_032608.7(MYO18B):c.953G>C (p.Trp318Ser)

Gene: MYO18B (myosin XVIIIB; plus strand). Cytogenetic location: 22q12.1.
Variant type: single nucleotide variant.
Coding change: c.953G>C on transcript NM_032608.7 (MANE Select); coding-DNA position 953, G replaced by C.
Protein change: p.Trp318Ser; replaces tryptophan 318 with serine.
Molecular consequence: missense variant.
Genome position (GRCh38, 1-based): chr22:25,768,869, G>C. VCF-style: chr22-25768869-G-C. GRCh37 (hg19) VCF-style: chr22-26164836-G-C.
Other names: c.953G>C, p.Trp318Ser (NM_001318245.2); c.953G>C (NM_032608.5); short protein forms W318S.
Identifiers: ClinVar variation 2416379 (VCV002416379.4), dbSNP rs369889484, ClinGen allele CA10159731.